The following is an entry in ClinVar:

NM_000138.5(FBN1):c.4978C>G (p.Pro1660Ala)

Gene: FBN1 (fibrillin 1; minus strand). Cytogenetic location: 15q21.1.
Variant type: single nucleotide variant.
Coding change: c.4978C>G on transcript NM_000138.5 (MANE Select); coding-DNA position 4978, C replaced by G.
Protein change: p.Pro1660Ala; replaces proline 1660 with alanine.
Molecular consequence: missense variant.
Genome position (GRCh38, 1-based): chr15:48,463,986, G>C on the plus strand (C>G on the coding strand, the complement: FBN1 is on the minus strand). VCF-style: chr15-48463986-G-C. GRCh37 (hg19) VCF-style: chr15-48756183-G-C.
Other names: c.4978C>G, p.Pro1660Ala (NM_001406716.1); short protein forms P1660A.
Identifiers: ClinVar variation 3754065 (VCV003754065.2).
Genomic context (GRCh38, chr15:48,463,986, plus strand): 5'-GCATGTAGTCTGGAGGACAGATACAGGTGTAGTTGCCAACGGTGTTGTAACATGTCCCTG[G>C]ACCACAGATTCCAGGAGTCTCACATTCATTCACATCTATAATCCAAAGAGAAAGTGGTAT-3'
Protein context (NP_000129.3, residues 1650-1670): NECETPGICG[Pro1660Ala]GTCYNTVGNY

ClinVar aggregate classification (germline): Uncertain significance (1 of 4 stars; one submission).

Conditions:
Marfan syndrome (MFS). Also called: MARFAN SYNDROME, TYPE I; Marfan syndrome type 1; Marfan's syndrome; Marfan syndrome, classic; FBN1-Related Marfan Syndrome. Identifiers: Orphanet 284963, Orphanet 558, MedGen C0024796, MONDO:0007947, OMIM 154700.
Familial thoracic aortic aneurysm and aortic dissection (TAAD). Also called: Thoracic aortic aneurysms and dissections. Identifiers: Orphanet 91387, MedGen C4707243, MONDO:0019625.

gnomAD v4.1: 2 of 1,613,862 alleles (0.00012%); highest among the groups gnomAD compares: Non-Finnish European, 0.00017%; no homozygotes.

Submission:

Labcorp Genetics (formerly Invitae), Labcorp
Classification: Uncertain significance for Marfan syndrome; Familial thoracic aortic aneurysm and aortic dissection. Last evaluated: 2025-11-22. Review status: criteria provided, single submitter. Criteria: Invitae Variant Classification Sherloc (09022015). Collection method: clinical testing. Allele origin: germline.
Comment: This sequence change replaces proline, which is neutral and non-polar, with alanine, which is neutral and non-polar, at codon 1660 of the FBN1 protein (p.Pro1660Ala). This variant is not present in population databases (gnomAD no frequency). This variant has not been reported in the literature in individuals affected with FBN1-related conditions. ClinVar contains an entry for this variant (Variation ID: 3754065). Invitae Evidence Modeling of protein sequence and biophysical properties (such as structural, functional, and spatial information, amino acid conservation, physicochemical variation, residue mobility, and thermodynamic stability) indicates that this missense variant is expected to disrupt FBN1 protein function with a positive predictive value of 95%. In summary, the available evidence is currently insufficient to determine the role of this variant in disease. Therefore, it has been classified as a Variant of Uncertain Significance.